The following is an entry in ClinVar:

NM_001164508.2(NEB):c.24623T>G (p.Phe8208Cys)

Genes: RIF1 (replication timing regulatory factor 1; plus strand), NEB (nebulin; minus strand). Cytogenetic location: 2q23.3.
Variant type: single nucleotide variant.
Coding change: c.24623T>G on transcript NM_001164508.2 (MANE Select); coding-DNA position 24623, T replaced by G.
Protein change: p.Phe8208Cys; replaces phenylalanine 8208 with cysteine.
Molecular consequence: missense variant.
Genome position (GRCh38, 1-based): chr2:151,493,824, A>C on the plus strand (T>G on the coding strand, the complement: NEB is on the minus strand). VCF-style: chr2-151493824-A-C. GRCh37 (hg19) VCF-style: chr2-152350338-A-C.
Other names: c.24623T>G, p.Phe8208Cys (NM_001164507.2); c.24728T>G, p.Phe8243Cys (NM_001271208.2); c.19055T>G, p.Phe6352Cys (NM_004543.5); c.19055T>G (NM_004543.4); short protein forms F8243C, F6352C, F8208C.
Identifiers: ClinVar variation 514093 (VCV000514093.8), dbSNP rs376664167, ClinGen allele CA1905973.
Genomic context (GRCh38, chr2:151,493,824, plus strand): 5'-TTCTAAAATACCGAGCTAAAGTTTTCTTGATTGCGTTTCACTCTTTCCATCTCAGGAGTA[A>C]AGGGTGTGGGGGTTGCTTTCCCCAGGTTCTCTTTGTATAACACCTGTGAGATACAAAGTC-3'
Protein context (NP_001157980.2, residues 8198-8218): ENLGKATPTP[Phe8208Cys]TPEMERVKRN

ClinVar aggregate classification (germline): Conflicting classifications of pathogenicity. Review status: criteria provided, conflicting classifications (1 of 4 stars). 4 submissions from 4 submitters: Uncertain significance (2); Likely benign (1). 1 of the submissions does not count toward it. Last evaluated 2025-10-01.

Conditions:
NEB-related disorder. Also called: NEB-Related Disorders; NEB-related condition.
Inborn genetic diseases. Identifiers: MedGen C0950123, MeSH D030342.
Nemaline myopathy 2 (NEM2). Also called: Nemaline myopathy 2, autosomal recessive. Identifiers: MedGen C1850569, MONDO:0009725, OMIM 256030.

Allele frequency attached by ClinVar (database versions not stated): gnomAD exomes 0.00004 and 0.00012; ExAC 0.00008; ESP Exome Variant Server 0.00008; TOPMed 0.00008; gnomAD 0.00009 and 0.00010.
gnomAD v4.1: 196 of 1,588,592 alleles (0.012%); highest among the groups gnomAD compares: Non-Finnish European, 0.016%; no homozygotes.

Submissions (4):

Labcorp Genetics (formerly Invitae), Labcorp
Classification: Likely benign for Nemaline myopathy 2. Last evaluated: 2025-10-01. Review status: criteria provided, single submitter. Criteria: Invitae Variant Classification Sherloc (09022015). Collection method: clinical testing. Allele origin: germline.

Ambry Genetics
Classification: Uncertain significance for Inborn genetic diseases. Last evaluated: 2024-07-31. Review status: criteria provided, single submitter. Criteria: Ambry Variant Classification Scheme 2023. Collection method: clinical testing. Allele origin: germline.

GeneDx
Classification: Uncertain significance. Last evaluated: 2024-06-14. Review status: criteria provided, single submitter. Criteria: GeneDx Variant Classification Process June 2021. Collection method: clinical testing. Allele origin: germline. Affected: yes.
Comment: Not observed at significant frequency in large population cohorts (gnomAD); In silico analysis indicates that this missense variant does not alter protein structure/function; Has not been previously published as pathogenic or benign to our knowledge

PreventionGenetics, part of Exact Sciences
Classification: Uncertain significance for NEB-related condition. Last evaluated: 2024-03-16. Review status: no assertion criteria provided. Collection method: clinical testing. Allele origin: germline. Not counted in ClinVar's aggregate classification.
Comment: The NEB c.24728T>G variant is predicted to result in the amino acid substitution p.Phe8243Cys. To our knowledge, this variant has not been reported in the literature. This variant is reported in 0.0074% of alleles in individuals of European (Non-Finnish) descent in gnomAD. At this time, the clinical significance of this variant is uncertain due to the absence of conclusive functional and genetic evidence.